The following is an entry in ClinVar:

ClinVar aggregate classification (germline): Conflicting classifications of pathogenicity. Review status: criteria provided, conflicting classifications (1 of 4 stars). 3 submissions from 3 submitters: Uncertain significance (1); Likely benign (1). 1 of the submissions does not count toward it. Last evaluated 2024-12-17.

Conditions:
PLEC-related disorder. Also called: PLEC-related condition; PLEC-related disorders.

Submissions (3):

Athena Diagnostics
Classification: Uncertain significance. Last evaluated: 2024-12-17. Review status: criteria provided, single submitter. Criteria: Athena Diagnostics Criteria. Collection method: clinical testing. Allele origin: unknown.
Comment: Available data are insufficient to determine the clinical significance of the variant at this time. The frequency of this variant in the general population is higher than would generally be expected for pathogenic variants in this gene. Computational tools yielded predictions that this variant is unlikely to have an effect on normal RNA splicing.

Blueprint Genetics
Classification: Likely benign. Last evaluated: 2024-11-14. Review status: criteria provided, single submitter. Criteria: ACMG Guidelines, 2015. Collection method: clinical testing. Allele origin: germline.

PreventionGenetics, part of Exact Sciences
Classification: Likely benign for PLEC-related condition. Last evaluated: 2024-07-03. Review status: no assertion criteria provided. Collection method: clinical testing. Allele origin: germline. Not counted in ClinVar's aggregate classification.
Comment: This variant is classified as likely benign based on ACMG/AMP sequence variant interpretation guidelines (Richards et al. 2015 PMID: 25741868, with internal and published modifications).

NM_201378.4(PLEC):c.-20CGCGCCC[3]

Gene: PLEC (plectin; minus strand). Cytogenetic location: 8q24.3.
Variant type: Microsatellite.
Coding change: c.-20CGCGCCC[3] on transcript NM_201378.4 (MANE Plus Clinical); three copies in a row of the 7-base unit CGCGCCC starting at c.-20; the reference has two copies in a row; one copy, 7 bases duplicated.
Molecular consequence: 5 prime UTR variant. On other transcripts: intron variant (2).
Genome position (GRCh38, 1-based): chr8:143,973,479-143,973,485, GGGCGCG duplicated on the plus strand (CGCGCCC on the coding strand, the reverse complement: PLEC is on the minus strand); duplicating any 7 consecutive bases within chr8:143,973,479-143,973,495 gives the same sequence; the position shown is the placement nearest the transcript's 3' end. VCF-style (leftmost placement, unchanged base first): chr8-143973478-C-CGGGCGCG. GRCh37 (hg19) VCF-style: chr8-145047646-C-CGGGCGCG.
Other names: c.193+1685CGCGCCC[3] (NM_001410941.1, NM_000445.5).
Identifiers: ClinVar variation 3355815 (VCV003355815.3).
Genomic context (GRCh38, chr8:143,973,478, plus strand): 5'-GCACCTCCTCGTAGGCCTGGATGAAGTCCTGCTCGTCGGGCAGCGGGCCGGCCATGCCGG[C>CGGGCGCG]GGGCGCGGGGCGCGGGGTGCAGCGGAGCCTCCAGCACCCGGCGGCCACTCTGTCCCCGCG-3'